The following is an entry in ClinVar:

NM_006231.4(POLE):c.3379-1G>C

Gene: POLE (DNA polymerase epsilon, catalytic subunit; minus strand). Cytogenetic location: 12q24.33.
Variant type: single nucleotide variant.
Coding change: c.3379-1G>C on transcript NM_006231.4 (MANE Select); the canonical splice acceptor site of the intron before coding-DNA position 3379, G replaced by C.
Molecular consequence: splice acceptor variant.
Genome position (GRCh38, 1-based): chr12:132,657,430, C>G on the plus strand (G>C on the coding strand, the complement: POLE is on the minus strand). VCF-style: chr12-132657430-C-G. GRCh37 (hg19) VCF-style: chr12-133234016-C-G.
Identifiers: ClinVar variation 4729425 (VCV004729425.1).

ClinVar aggregate classification (germline): Likely pathogenic (1 of 4 stars; one submission).

gnomAD v4.1: 1 of 1,614,020 alleles (0.000062%); highest among the groups gnomAD compares: Non-Finnish European, 0.000085%; no homozygotes.

Submission:

Labcorp Genetics (formerly Invitae), Labcorp
Classification: Likely pathogenic. Last evaluated: 2025-10-22. Review status: criteria provided, single submitter. Criteria: Invitae Variant Classification Sherloc (09022015). Collection method: clinical testing. Allele origin: germline.
Comment: This sequence change affects an acceptor splice site in intron 27 of the POLE gene. It is expected to disrupt RNA splicing. Variants that disrupt the donor or acceptor splice site typically lead to a loss of protein function (PMID: 16199547), and loss-of-function variants in POLE are known to be pathogenic (PMID: 23230001, 25948378, 30503519). This variant is not present in population databases (gnomAD no frequency). This variant has not been reported in the literature in individuals affected with POLE-related conditions. Algorithms developed to predict the effect of sequence changes on RNA splicing suggest that this variant may disrupt the consensus splice site. In summary, the currently available evidence indicates that the variant is pathogenic, but additional data are needed to prove that conclusively. Therefore, this variant has been classified as Likely Pathogenic.

Literature cited by the submitters: PubMed 16199547; PubMed 23230001; PubMed 25948378; PubMed 30503519.